The following is an entry in ClinVar:

NM_001183.6(ATP6AP1):c.403G>T (p.Ala135Ser)

Gene: ATP6AP1 (ATPase H+ transporting accessory protein 1; plus strand). Cytogenetic location: Xq28.
Variant type: single nucleotide variant.
Coding change: c.403G>T on transcript NM_001183.6 (MANE Select); coding-DNA position 403, G replaced by T.
Protein change: p.Ala135Ser; replaces alanine 135 with serine.
Molecular consequence: missense variant.
Genome position (GRCh38, 1-based): chrX:154,432,305, G>T. VCF-style: chrX-154432305-G-T. GRCh37 (hg19) VCF-style: chrX-153660651-G-T.
Other names: short protein forms A135S.
Identifiers: ClinVar variation 3009242 (VCV003009242.3), dbSNP rs782520106, ClinGen allele CA10562608.

ClinVar aggregate classification (germline): Uncertain significance (1 of 4 stars; one submission).

Allele frequency attached by ClinVar (database versions not stated): gnomAD exomes below 0.00001; ExAC 0.00002; TOPMed 0.00003; gnomAD 0.00006.
gnomAD v4.1: 8 of 1,209,862 alleles (0.00066%); highest among the groups gnomAD compares: African/African-American, 0.014%; no homozygotes.

Submission:

Labcorp Genetics (formerly Invitae), Labcorp
Classification: Uncertain significance. Last evaluated: 2023-12-20. Review status: criteria provided, single submitter. Criteria: Invitae Variant Classification Sherloc (09022015). Collection method: clinical testing. Allele origin: germline.
Comment: This sequence change replaces alanine, which is neutral and non-polar, with serine, which is neutral and polar, at codon 135 of the ATP6AP1 protein (p.Ala135Ser). This variant is present in population databases (rs782520106, gnomAD 0.02%), including at least one homozygous and/or hemizygous individual. This variant has not been reported in the literature in individuals affected with ATP6AP1-related conditions. Advanced modeling of protein sequence and biophysical properties (such as structural, functional, and spatial information, amino acid conservation, physicochemical variation, residue mobility, and thermodynamic stability) performed at Invitae indicates that this missense variant is not expected to disrupt ATP6AP1 protein function with a negative predictive value of 80%. In summary, the available evidence is currently insufficient to determine the role of this variant in disease. Therefore, it has been classified as a Variant of Uncertain Significance.